The following is an entry in ClinVar:

ClinVar aggregate classification (germline): Likely pathogenic. Review status: criteria provided, multiple submitters, no conflicts (2 of 4 stars). 2 submissions from 2 submitters: Likely pathogenic (2). Last evaluated 2022-06-13.

Conditions:
Tyrosinase-positive oculocutaneous albinism (OCA2). Also called: ALBINISM II; Albinism, oculocutaneous, type II; Oculocutaneous albinism type 2. Identifiers: Orphanet 79432, MedGen C0268495, MONDO:0008746, OMIM 203200.

gnomAD v4.1: 1 of 1,613,484 alleles (0.000062%); highest among the groups gnomAD compares: African/African-American, 0.0013%; no homozygotes.

Submissions (2):

Labcorp Genetics (formerly Invitae), Labcorp
Classification: Likely pathogenic. Last evaluated: 2022-06-13. Review status: criteria provided, single submitter. Criteria: Invitae Variant Classification Sherloc (09022015). Collection method: clinical testing. Allele origin: germline.
Comment: ClinVar contains an entry for this variant (Variation ID: 916725). Disruption of this splice site has been observed in individual(s) with OCA2-related conditions (PMID: 32783370). This variant is not present in population databases (gnomAD no frequency). This sequence change affects a donor splice site in intron 8 of the OCA2 gene. It is expected to disrupt RNA splicing. Variants that disrupt the donor or acceptor splice site typically lead to a loss of protein function (PMID: 16199547), and loss-of-function variants in OCA2 are known to be pathogenic (PMID: 19865097, 21541274). In summary, the currently available evidence indicates that the variant is pathogenic, but additional data are needed to prove that conclusively. Therefore, this variant has been classified as Likely Pathogenic. Algorithms developed to predict the effect of sequence changes on RNA splicing suggest that this variant may disrupt the consensus splice site.

Moosajee Lab, UCL Institute of Ophthalmology
Classification: Likely pathogenic for Tyrosinase-positive oculocutaneous albinism. Review status: criteria provided, single submitter. Criteria: ACMG Guidelines, 2015. Collection method: clinical testing. Allele origin: inherited. Affected: yes. Observed: 1 heterozygote.

Literature cited by the submitters: PubMed 32783370 (cited by Labcorp Genetics (formerly Invitae), Labcorp); PubMed 16199547 (cited by Labcorp Genetics (formerly Invitae), Labcorp); PubMed 19865097 (cited by Labcorp Genetics (formerly Invitae), Labcorp); PubMed 21541274 (cited by Labcorp Genetics (formerly Invitae), Labcorp).

NM_000275.3(OCA2):c.890+1G>A

Gene: OCA2 (OCA2 melanosomal transmembrane protein; minus strand). Cytogenetic location: 15q13.1.
Variant type: single nucleotide variant.
Coding change: c.890+1G>A on transcript NM_000275.3 (MANE Select); the canonical splice donor site of the intron after coding-DNA position 890, G replaced by A.
Molecular consequence: splice donor variant.
Genome position (GRCh38, 1-based): chr15:28,016,103, C>T on the plus strand (G>A on the coding strand, the complement: OCA2 is on the minus strand). VCF-style: chr15-28016103-C-T. GRCh37 (hg19) VCF-style: chr15-28261249-C-T.
Other names: c.890+1G>A (NM_001300984.2).
Identifiers: ClinVar variation 916725 (VCV000916725.8), dbSNP rs2042382744, ClinGen allele CA391365275.